The following is an entry in ClinVar:

ClinVar aggregate classification (germline): Uncertain significance (1 of 4 stars; one submission).

Allele frequency attached by ClinVar (database versions not stated): gnomAD exomes below 0.00001; TOPMed below 0.00001; gnomAD 0.00001.
gnomAD v4.1: 3 of 1,613,788 alleles (0.00019%); highest among the groups gnomAD compares: Non-Finnish European, 0.00025%; no homozygotes.

Submission:

Labcorp Genetics (formerly Invitae), Labcorp
Classification: Uncertain significance. Last evaluated: 2023-10-29. Review status: criteria provided, single submitter. Criteria: Invitae Variant Classification Sherloc (09022015). Collection method: clinical testing. Allele origin: germline.
Comment: This sequence change replaces aspartic acid, which is acidic and polar, with asparagine, which is neutral and polar, at codon 298 of the GNB3 protein (p.Asp298Asn). This variant is not present in population databases (gnomAD no frequency). This variant has not been reported in the literature in individuals affected with GNB3-related conditions. Advanced modeling of protein sequence and biophysical properties (such as structural, functional, and spatial information, amino acid conservation, physicochemical variation, residue mobility, and thermodynamic stability) performed at Invitae indicates that this missense variant is not expected to disrupt GNB3 protein function with a negative predictive value of 80%. In summary, the available evidence is currently insufficient to determine the role of this variant in disease. Therefore, it has been classified as a Variant of Uncertain Significance.

NM_002075.4(GNB3):c.892G>A (p.Asp298Asn)

Genes: CDCA3 (cell division cycle associated 3; minus strand), GNB3 (G protein subunit beta 3; plus strand). Cytogenetic location: 12p13.31.
Variant type: single nucleotide variant.
Coding change: c.892G>A on transcript NM_002075.4 (MANE Select); coding-DNA position 892, G replaced by A.
Protein change: p.Asp298Asn; replaces aspartic acid 298 with asparagine.
Molecular consequence: missense variant. On other transcripts: 3 prime UTR variant (1).
Genome position (GRCh38, 1-based): chr12:6,845,778, G>A. VCF-style: chr12-6845778-G-A. GRCh37 (hg19) VCF-style: chr12-6954942-G-A.
Other names: c.889G>A, p.Asp297Asn (NM_001297571.2); c.*1010C>T (NM_001297603.3); short protein forms D297N, D298N.
Identifiers: ClinVar variation 2772776 (VCV002772776.3), dbSNP rs1440335140, ClinGen allele CA383675519.